The following is an entry in ClinVar:

ClinVar aggregate classification (germline): Conflicting classifications of pathogenicity. Review status: criteria provided, conflicting classifications (1 of 4 stars). 2 submissions from 2 submitters: Likely pathogenic (1); Uncertain significance (1). Last evaluated 2024-10-18.

Conditions:
Autosomal recessive limb-girdle muscular dystrophy type 2J (LGMDR10). Also called: MUSCULAR DYSTROPHY, LIMB-GIRDLE, AUTOSOMAL RECESSIVE 10; Limb-girdle muscular dystrophy, type 2J. Identifiers: Orphanet 140922, MedGen C1837342, MONDO:0012127, OMIM 608807.
Dilated cardiomyopathy 1G (CMD1G). Identifiers: Orphanet 154, MedGen C1858763, MONDO:0011400, OMIM 604145.

Submissions (2):

Labcorp Genetics (formerly Invitae), Labcorp
Classification: Likely pathogenic for Dilated cardiomyopathy 1G; Autosomal recessive limb-girdle muscular dystrophy type 2J. Last evaluated: 2024-10-18. Review status: criteria provided, single submitter. Criteria: Invitae Variant Classification Sherloc (09022015). Collection method: clinical testing. Allele origin: germline.
Comment: This sequence change creates a premature translational stop signal (p.Cys5616*) in the TTN gene. While this is not anticipated to result in nonsense mediated decay, it is expected to create a truncated TTN protein. This variant is not present in population databases (gnomAD no frequency). This variant has not been reported in the literature in individuals affected with TTN-related conditions. ClinVar contains an entry for this variant (Variation ID: 1308809). Algorithms developed to predict the effect of sequence changes on RNA splicing suggest that this variant may disrupt the consensus splice site. This variant is located in the I band of TTN (PMID: 25589632). Truncating variants in this region have been reported in individuals affected with autosomal recessive centronuclear myopathy (PMID: 23975875, internal data). Truncating variants in this region have also been identified in individuals affected with autosomal dominant dilated cardiomyopathy and/or cardio-related conditions (PMID: 27869827, 32964742, internal data). In summary, the currently available evidence indicates that the variant is pathogenic, but additional data are needed to prove that conclusively. Therefore, this variant has been classified as Likely Pathogenic.

GeneDx
Classification: Uncertain significance. Last evaluated: 2019-10-04. Review status: criteria provided, single submitter. Criteria: GeneDx Variant Classification Process June 2021. Collection method: clinical testing. Allele origin: germline. Affected: yes.
Comment: Nonsense variant predicted to result in protein truncation or nonsense mediated decay in a gene for which loss-of-function is not a known mechanism of disease; Not observed in large population cohorts (Lek et al., 2016); Has not been previously published as pathogenic or benign to our knowledge

Literature cited by the submitters: PubMed 25589632 (cited by Labcorp Genetics (formerly Invitae), Labcorp); PubMed 23975875 (cited by Labcorp Genetics (formerly Invitae), Labcorp); PubMed 27869827 (cited by Labcorp Genetics (formerly Invitae), Labcorp); PubMed 32964742 (cited by Labcorp Genetics (formerly Invitae), Labcorp).

NM_001267550.2(TTN):c.16848_16849del (p.Cys5616_Glu5617delinsTer)

Genes: TTN (titin; minus strand), LOC126806431 (CDK7 strongly-dependent group 2 enhancer GRCh37_chr2:179595719-179596918; plus strand). Cytogenetic location: 2q31.2.
Variant type: Microsatellite.
Coding change: c.16848_16849del on transcript NM_001267550.2 (MANE Select); coding-DNA positions 16848 to 16849, 2 bases deleted (TG; older notation c.16848_16849delTG).
Protein change: p.Cys5616_Glu5617delinsTer.
Molecular consequence: nonsense. On other transcripts: intron variant (3).
Genome position (GRCh38, 1-based): chr2:178,732,120-178,732,121, CA deleted on the plus strand (TG on the coding strand, the reverse complement: TTN is on the minus strand); deleting any 2 consecutive bases within chr2:178,732,120-178,732,125 gives the same sequence; the c. name uses the placement nearest the transcript's 3' end. VCF-style (leftmost placement, unchanged base first): chr2-178732119-TCA-T. GRCh37 (hg19) VCF-style: chr2-179596846-TCA-T.
Other names: c.15897_15898del, p.Cys5299_Glu5300delinsTer (NM_001256850.1); c.13116_13117del, p.Cys4372_Glu4373delinsTer (NM_133378.4); c.13282+5957TG[2] (NM_003319.4); c.13858+5957TG[2] (NM_133437.4); c.13657+5957TG[2] (NM_133432.3).
Identifiers: ClinVar variation 1308809 (VCV001308809.6), dbSNP rs2154309910, ClinGen allele CA2580616616.